The following is an entry in ClinVar:

ClinVar aggregate classification (germline): Uncertain significance (1 of 4 stars; one submission).

Conditions:
Cystic fibrosis (CF). Also called: MUCOVISCIDOSIS. Identifiers: Orphanet 586, MedGen C0010674, MONDO:0009061, OMIM 219700. Disease mechanism: loss of function.

Submission:

Ambry Genetics
Classification: Uncertain significance for Cystic fibrosis. Last evaluated: 2025-10-13. Review status: criteria provided, single submitter. Criteria: Ambry Variant Classification Scheme 2023. Collection method: clinical testing. Allele origin: germline.
Comment: The p.I119N variant (also known as c.356T>A), located in coding exon 4 of the CFTR gene, results from a T to A substitution at nucleotide position 356. The isoleucine at codon 119 is replaced by asparagine, an amino acid with dissimilar properties. This amino acid position is conserved. In addition, the in silico prediction for this alteration is inconclusive. Since supporting evidence is limited at this time, the clinical significance of this alteration remains unclear.

NM_000492.4(CFTR):c.356T>A (p.Ile119Asn)

Gene: CFTR (CF transmembrane conductance regulator; plus strand). Cytogenetic location: 7q31.2.
Variant type: single nucleotide variant.
Coding change: c.356T>A on transcript NM_000492.4 (MANE Select); coding-DNA position 356, T replaced by A.
Protein change: p.Ile119Asn; replaces isoleucine 119 with asparagine.
Molecular consequence: missense variant.
Genome position (GRCh38, 1-based): chr7:117,530,981, T>A. VCF-style: chr7-117530981-T-A. GRCh37 (hg19) VCF-style: chr7-117171035-T-A.
Other names: short protein forms I119N.
Identifiers: ClinVar variation 1732783 (VCV001732783.3), dbSNP rs2116670254, ClinGen allele CA368974468.